The following is an entry in ClinVar:

NM_198428.3(BBS9):c.2070C>T (p.Ala690=)

Gene: BBS9 (Bardet-Biedl syndrome 9; plus strand). Cytogenetic location: 7p14.3.
Variant type: single nucleotide variant.
Coding change: c.2070C>T on transcript NM_198428.3 (MANE Select); coding-DNA position 2070, C replaced by T.
Protein change: p.Ala690=; no amino-acid change (alanine 690 retained).
Molecular consequence: synonymous variant. On other transcripts: non-coding transcript variant (3).
Genome position (GRCh38, 1-based): chr7:33,388,099, C>T. VCF-style: chr7-33388099-C-T. GRCh37 (hg19) VCF-style: chr7-33427711-C-T.
Other names: c.1965C>T, p.Ala655= (NM_001033604.2); c.2055C>T, p.Ala685= (NM_001033605.2); c.2070C>T, p.Ala690= (NM_001348036.1, NM_001348041.4, NM_001348043.3 and 1 more transcripts); c.1704C>T, p.Ala568= (NM_001348037.3, NM_001348045.3, NM_001348046.3); c.1797C>T, p.Ala599= (NM_001348038.3); c.1692C>T, p.Ala564= (NM_001348039.3); c.1950C>T, p.Ala650= (NM_001348040.3, NM_014451.4); c.1935C>T, p.Ala645= (NM_001348042.3); and 1 more.
Identifiers: ClinVar variation 5000436 (VCV005000436.1).

ClinVar aggregate classification (germline): Likely benign (1 of 4 stars; one submission).

Conditions:
BBS9-related disorder. Also called: BBS9-related condition.

gnomAD v4.1: 2 of 1,614,110 alleles (0.00012%); highest among the groups gnomAD compares: Non-Finnish European, 0.00017%; no homozygotes.

Submission:

PreventionGenetics, part of Exact Sciences
Classification: Likely benign for BBS9-related condition. Last evaluated: 2025-11-20. Review status: criteria provided, single submitter. Criteria: ACMG Guidelines, 2015. Collection method: clinical testing. Allele origin: germline.
Comment: This variant is classified as likely benign based on ACMG/AMP sequence variant interpretation guidelines (Richards et al. 2015 PMID: 25741868, with internal and published modifications).